The following is an entry in ClinVar:

NM_030973.4(MED25):c.1190A>G (p.Asn397Ser)

Gene: MED25 (mediator complex subunit 25; plus strand). Cytogenetic location: 19q13.33.
Variant type: single nucleotide variant.
Coding change: c.1190A>G on transcript NM_030973.4 (MANE Select); coding-DNA position 1190, A replaced by G.
Protein change: p.Asn397Ser; replaces asparagine 397 with serine.
Molecular consequence: missense variant.
Genome position (GRCh38, 1-based): chr19:49,831,421, A>G. VCF-style: chr19-49831421-A-G. GRCh37 (hg19) VCF-style: chr19-50334678-A-G.
Other names: p.Asn397Ser; c.1190A>G, p.Asn397Ser (NM_001378355.1); short protein forms N397S.
Identifiers: ClinVar variation 1693753 (VCV001693753.9), dbSNP rs756897347, ClinGen allele CA9585172.

ClinVar aggregate classification (germline): Uncertain significance. Review status: criteria provided, multiple submitters, no conflicts (2 of 4 stars). 2 submissions from 2 submitters: Uncertain significance (2). Last evaluated 2021-12-23.

Conditions:
Charcot-Marie-Tooth disease type 2. Also called: Charcot-Marie-Tooth type 2. Identifiers: Orphanet 64746, MedGen C0270914, MONDO:0018993.

Allele frequency attached by ClinVar (database versions not stated): TOPMed 0.00001; gnomAD exomes 0.00002 and 0.00004; ExAC 0.00001; gnomAD 0.00001.

Submissions (2):

Labcorp Genetics (formerly Invitae), Labcorp
Classification: Uncertain significance for Charcot-Marie-Tooth disease type 2. Last evaluated: 2021-12-23. Review status: criteria provided, single submitter. Criteria: Invitae Variant Classification Sherloc (09022015). Collection method: clinical testing. Allele origin: germline.
Comment: This sequence change replaces asparagine, which is neutral and polar, with serine, which is neutral and polar, at codon 397 of the MED25 protein (p.Asn397Ser). This variant is present in population databases (rs756897347, gnomAD 0.005%). This variant has not been reported in the literature in individuals affected with MED25-related conditions. Algorithms developed to predict the effect of missense changes on protein structure and function are either unavailable or do not agree on the potential impact of this missense change (SIFT: "Deleterious"; PolyPhen-2: "Benign"; Align-GVGD: "Class C45"). Algorithms developed to predict the effect of sequence changes on RNA splicing suggest that this variant may create or strengthen a splice site. In summary, the available evidence is currently insufficient to determine the role of this variant in disease. Therefore, it has been classified as a Variant of Uncertain Significance.

Mayo Clinic Laboratories, Mayo Clinic
Classification: Uncertain significance. Last evaluated: 2021-08-11. Review status: criteria provided, single submitter. Criteria: ACMG Guidelines, 2015. Collection method: clinical testing. Allele origin: germline.